The following is an entry in ClinVar:

NM_001024613.4(FEZF1):c.450C>A (p.Asn150Lys)

Genes: FEZF1 (FEZ family zinc finger 1; minus strand), FEZF1-AS1 (FEZF1 antisense RNA 1; plus strand). Cytogenetic location: 7q31.32.
Variant type: single nucleotide variant.
Coding change: c.450C>A on transcript NM_001024613.4 (MANE Select); coding-DNA position 450, C replaced by A.
Protein change: p.Asn150Lys; replaces asparagine 150 with lysine.
Molecular consequence: missense variant. On other transcripts: non-coding transcript variant (1), intron variant (1).
Genome position (GRCh38, 1-based): chr7:122,303,988, G>T on the plus strand (C>A on the coding strand, the complement: FEZF1 is on the minus strand). VCF-style: chr7-122303988-G-T. GRCh37 (hg19) VCF-style: chr7-121944042-G-T.
Other names: c.429+21C>A (NM_001160264.2); short protein forms N150K.
Identifiers: ClinVar variation 4799399 (VCV004799399.1).
Genomic context (GRCh38, chr7:122,303,988, plus strand): 5'-GCATGGGCCGTCACCTCGGTTCAGGTAGCACAAGGCGCCCATGGCGTGGAATGAAGAGTG[G>T]TTGACCACACGCGGCCTTACCAGCTTGTACTGCTGCAGCGGCAGCGCGTCGCGGGCCAGG-3'
Protein context (NP_001019784.2, residues 140-160): QYKLVRPRVV[Asn150Lys]HSSFHAMGAL

ClinVar aggregate classification (germline): Uncertain significance (1 of 4 stars; one submission).

Submission:

Labcorp Genetics (formerly Invitae), Labcorp
Classification: Uncertain significance. Last evaluated: 2025-04-29. Review status: criteria provided, single submitter. Criteria: Invitae Variant Classification Sherloc (09022015). Collection method: clinical testing. Allele origin: germline.
Comment: This sequence change replaces asparagine, which is neutral and polar, with lysine, which is basic and polar, at codon 150 of the FEZF1 protein (p.Asn150Lys). This variant is not present in population databases (gnomAD no frequency). This variant has not been reported in the literature in individuals affected with FEZF1-related conditions. An algorithm developed to predict the effect of missense changes on protein structure and function (PolyPhen-2) suggests that this variant is likely to be disruptive. In summary, the available evidence is currently insufficient to determine the role of this variant in disease. Therefore, it has been classified as a Variant of Uncertain Significance.